The following is an entry in ClinVar:

ClinVar aggregate classification (germline): Uncertain significance (1 of 4 stars; one submission).

Conditions:
Immunodeficiency 35 (IMD35). Also called: HIES WITH ATYPICAL MYCOBACTERIOSIS, AUTOSOMAL RECESSIVE; HYPER-IgE SYNDROME WITH ATYPICAL MYCOBACTERIOSIS, AUTOSOMAL RECESSIVE; Susceptibility to infection due to TYK2 deficiency; TYK2 DEFICIENCY. Identifiers: Orphanet 331226, MedGen C1969086, MONDO:0012682, OMIM 611521.

Allele frequency attached by ClinVar (database versions not stated): gnomAD exomes 0.00002 and 0.00003; gnomAD 0.00003 and 0.00004; TOPMed 0.00003; ESP Exome Variant Server 0.00008.

Submission:

Labcorp Genetics (formerly Invitae), Labcorp
Classification: Uncertain significance for Immunodeficiency 35. Last evaluated: 2022-02-04. Review status: criteria provided, single submitter. Criteria: Invitae Variant Classification Sherloc (09022015). Collection method: clinical testing. Allele origin: germline.
Comment: This sequence change replaces proline, which is neutral and non-polar, with serine, which is neutral and polar, at codon 117 of the TYK2 protein (p.Pro117Ser). This variant is present in population databases (rs141864691, gnomAD 0.002%). This variant has not been reported in the literature in individuals affected with TYK2-related conditions. ClinVar contains an entry for this variant (Variation ID: 578408). Algorithms developed to predict the effect of missense changes on protein structure and function output the following: SIFT: "Not Available"; PolyPhen-2: "Benign"; Align-GVGD: "Not Available". The serine amino acid residue is found in multiple mammalian species, which suggests that this missense change does not adversely affect protein function. In summary, the available evidence is currently insufficient to determine the role of this variant in disease. Therefore, it has been classified as a Variant of Uncertain Significance.

NM_003331.5(TYK2):c.349C>T (p.Pro117Ser)

Gene: TYK2 (tyrosine kinase 2; minus strand). Cytogenetic location: 19p13.2.
Variant type: single nucleotide variant.
Coding change: c.349C>T on transcript NM_003331.5 (MANE Select); coding-DNA position 349, C replaced by T.
Protein change: p.Pro117Ser; replaces proline 117 with serine.
Molecular consequence: missense variant.
Genome position (GRCh38, 1-based): chr19:10,368,171, G>A on the plus strand (C>T on the coding strand, the complement: TYK2 is on the minus strand). VCF-style: chr19-10368171-G-A. GRCh37 (hg19) VCF-style: chr19-10478847-G-A.
Other names: c.349C>T (LRG_121t1); short protein forms P117S.
Identifiers: ClinVar variation 578408 (VCV000578408.8), dbSNP rs141864691, ClinGen allele CA305209442.